The following is an entry in ClinVar:

ClinVar aggregate classification (germline): Uncertain significance (1 of 4 stars; one submission).

Submission:

CeGaT Center for Human Genetics Tuebingen
Classification: Uncertain significance. Last evaluated: 2023-03-01. Review status: criteria provided, single submitter. Criteria: CeGaT Center For Human Genetics Tuebingen Variant Classification Criteria Version 2. Collection method: clinical testing. Allele origin: germline. Affected: yes. Observed: 1 variant allele.
Comment: CDC42BPB: PVS1:Strong, PM2, BS3:Supporting

NM_006035.4(CDC42BPB):c.2842C>T (p.Gln948Ter)

Gene: CDC42BPB (CDC42 binding protein kinase beta; minus strand). Cytogenetic location: 14q32.32.
Variant type: single nucleotide variant.
Coding change: c.2842C>T on transcript NM_006035.4 (MANE Select); coding-DNA position 2842, C replaced by T.
Protein change: p.Gln948Ter; replaces glutamine 948 with a stop codon.
Molecular consequence: nonsense.
Genome position (GRCh38, 1-based): chr14:102,959,690, G>A on the plus strand (C>T on the coding strand, the complement: CDC42BPB is on the minus strand). VCF-style: chr14-102959690-G-A. GRCh37 (hg19) VCF-style: chr14-103426027-G-A.
Other names: c.2842C>T, p.Gln948Ter (NM_001411054.1); short protein forms Q948*.
Identifiers: ClinVar variation 2498599 (VCV002498599.28), dbSNP rs2542831663, ClinGen allele CA391080299.